The following is an entry in ClinVar:

ClinVar aggregate classification (germline): Uncertain significance. Review status: criteria provided, multiple submitters, no conflicts (2 of 4 stars). 3 submissions from 3 submitters: Uncertain significance (3). Last evaluated 2023-11-24.

Conditions:
Inborn genetic diseases. Identifiers: MedGen C0950123, MeSH D030342.

Allele frequency attached by ClinVar (database versions not stated): ExAC 0.00002; gnomAD 0.00008 and 0.00010; TOPMed 0.00009; ESP Exome Variant Server 0.00025.
gnomAD v4.1: 44 of 1,614,032 alleles (0.0027%); highest among the groups gnomAD compares: African/African-American, 0.017%; no homozygotes.

Submissions (3):

Blueprint Genetics
Classification: Uncertain significance. Last evaluated: 2023-11-24. Review status: criteria provided, single submitter. Criteria: ACMG Guidelines, 2015. Collection method: clinical testing. Allele origin: germline.

Labcorp Genetics (formerly Invitae), Labcorp
Classification: Uncertain significance. Last evaluated: 2023-08-04. Review status: criteria provided, single submitter. Criteria: Invitae Variant Classification Sherloc (09022015). Collection method: clinical testing. Allele origin: germline.
Comment: This sequence change replaces arginine, which is basic and polar, with glutamine, which is neutral and polar, at codon 629 of the CNGA1 protein (p.Arg629Gln). This variant is present in population databases (rs373782782, gnomAD 0.02%). This variant has not been reported in the literature in individuals affected with CNGA1-related conditions. ClinVar contains an entry for this variant (Variation ID: 842579). Algorithms developed to predict the effect of missense changes on protein structure and function output the following: SIFT: "Not Available"; PolyPhen-2: "Benign"; Align-GVGD: "Not Available". The glutamine amino acid residue is found in multiple mammalian species, which suggests that this missense change does not adversely affect protein function. In summary, the available evidence is currently insufficient to determine the role of this variant in disease. Therefore, it has been classified as a Variant of Uncertain Significance.

Ambry Genetics
Classification: Uncertain significance for Inborn genetic diseases. Last evaluated: 2021-09-16. Review status: criteria provided, single submitter. Criteria: Ambry Variant Classification Scheme 2023. Collection method: clinical testing. Allele origin: germline.

NM_001379270.1(CNGA1):c.1874G>A (p.Arg625Gln)

Genes: CNGA1 (cyclic nucleotide gated channel subunit alpha 1; minus strand), LOC101927157 (uncharacterized LOC101927157; plus strand). Cytogenetic location: 4p12.
Variant type: single nucleotide variant.
Coding change: c.1874G>A on transcript NM_001379270.1 (MANE Select); coding-DNA position 1874, G replaced by A.
Protein change: p.Arg625Gln; replaces arginine 625 with glutamine.
Molecular consequence: missense variant.
Genome position (GRCh38, 1-based): chr4:47,936,608, C>T on the plus strand (G>A on the coding strand, the complement: CNGA1 is on the minus strand). VCF-style: chr4-47936608-C-T. GRCh37 (hg19) VCF-style: chr4-47938625-C-T.
Other names: c.1874G>A, p.Arg625Gln (NM_000087.5, NM_001142564.2); short protein forms R625Q.
Identifiers: ClinVar variation 842579 (VCV000842579.9), dbSNP rs373782782, ClinGen allele CA2911002.